The following is an entry in ClinVar:

NM_001165963.4(SCN1A):c.4791T>C (p.His1597=)

Genes: SCN1A (sodium voltage-gated channel alpha subunit 1; minus strand), LOC102724058 (uncharacterized LOC102724058; plus strand). Cytogenetic location: 2q24.3.
Variant type: single nucleotide variant.
Coding change: c.4791T>C on transcript NM_001165963.4 (MANE Select); coding-DNA position 4791, T replaced by C.
Protein change: p.His1597=; no amino-acid change (histidine 1597 retained).
Molecular consequence: synonymous variant. On other transcripts: non-coding transcript variant (1).
Genome position (GRCh38, 1-based): chr2:165,994,207, A>G on the plus strand (T>C on the coding strand, the complement: SCN1A is on the minus strand). VCF-style: chr2-165994207-A-G. GRCh37 (hg19) VCF-style: chr2-166850717-A-G.
Other names: p.His1597=; c.4707T>C, p.His1569= (NM_001165964.3, NM_001353957.2, NM_001353958.2); c.4791T>C, p.His1597= (NM_001202435.3, NM_001353948.2); c.4758T>C, p.His1586= (NM_001353949.2, NM_001353950.2, NM_001353951.2 and 2 more transcripts); c.4755T>C, p.His1585= (NM_001353954.2, NM_001353955.2); c.4704T>C, p.His1568= (NM_001353960.2); c.2349T>C, p.His783= (NM_001353961.2); c.4791T>C (NM_001165963.3).
Identifiers: ClinVar variation 388529 (VCV000388529.48), dbSNP rs141051370, ClinGen allele CA1942735.

ClinVar aggregate classification (germline): Likely benign. Review status: criteria provided, multiple submitters, no conflicts (2 of 4 stars). 6 submissions from 6 submitters: Likely benign (6). Last evaluated 2026-06-01.

Conditions:
Early-infantile DEE. Also called: Early infantile epileptic encephalopathy; Ohtahara syndrome; Early infantile epileptic encephalopathy with suppression bursts. Identifiers: Orphanet 1934, MedGen C0393706, MONDO:0800491.
Inborn genetic diseases. Identifiers: MedGen C0950123, MeSH D030342.

Allele frequency attached by ClinVar (database versions not stated): gnomAD exomes 0.00002 and 0.00008; ExAC 0.00003; gnomAD 0.00004 and 0.00005; TOPMed 0.00005; ESP Exome Variant Server 0.00023.
gnomAD v4.1: 125 of 1,612,616 alleles (0.0078%); highest among the groups gnomAD compares: Non-Finnish European, 0.0097%; no homozygotes.

Submissions (6):

CeGaT Center for Human Genetics Tuebingen
Classification: Likely benign. Last evaluated: 2026-06-01. Review status: criteria provided, single submitter. Criteria: CeGaT Center For Human Genetics Tuebingen Variant Classification Criteria Version 2. Collection method: clinical testing. Allele origin: germline. Affected: yes. Observed: 4 variant alleles.
Comment: SCN1A: BP4

Mayo Clinic Laboratories, Mayo Clinic
Classification: Likely benign. Last evaluated: 2025-10-14. Review status: criteria provided, single submitter. Criteria: ACMG Guidelines, 2015. Collection method: clinical testing. Allele origin: germline. Observed: 1 variant allele.
Comment: BS1, BP4, BP7

Labcorp Genetics (formerly Invitae), Labcorp
Classification: Likely benign for Early-infantile DEE. Last evaluated: 2025-01-13. Review status: criteria provided, single submitter. Criteria: Invitae Variant Classification Sherloc (09022015). Collection method: clinical testing. Allele origin: germline.

Blueprint Genetics
Classification: Likely benign. Last evaluated: 2021-08-31. Review status: criteria provided, single submitter. Criteria: ACMG Guidelines, 2015. Collection method: clinical testing. Allele origin: germline.

Ambry Genetics
Classification: Likely benign for Inborn genetic diseases. Last evaluated: 2017-09-12. Review status: criteria provided, single submitter. Criteria: Ambry Variant Classification Scheme 2023. Collection method: clinical testing. Allele origin: germline.

GeneDx
Classification: Likely benign. Last evaluated: 2016-08-15. Review status: criteria provided, single submitter. Criteria: GeneDx Variant Classification (06012015). Collection method: clinical testing. Allele origin: germline. Affected: yes.
Comment: This variant is considered likely benign or benign based on one or more of the following criteria: it is a conservative change, it occurs at a poorly conserved position in the protein, it is predicted to be benign by multiple in silico algorithms, and/or has population frequency not consistent with disease.